The following is an entry in ClinVar:

NM_001270974.2(HYDIN):c.2702G>T (p.Gly901Val)

Gene: HYDIN (HYDIN axonemal central pair apparatus protein; minus strand). Cytogenetic location: 16q22.2.
Variant type: single nucleotide variant.
Coding change: c.2702G>T on transcript NM_001270974.2 (MANE Select); coding-DNA position 2702, G replaced by T.
Protein change: p.Gly901Val; replaces glycine 901 with valine.
Molecular consequence: missense variant.
Genome position (GRCh38, 1-based): chr16:71,031,745, C>A on the plus strand (G>T on the coding strand, the complement: HYDIN is on the minus strand). VCF-style: chr16-71031745-C-A. GRCh37 (hg19) VCF-style: chr16-71065648-C-A.
Other names: c.2783G>T, p.Gly928Val (NM_001198542.1); c.2753G>T, p.Gly918Val (NM_001198543.1); c.2702G>T, p.Gly901Val (NM_017558.5); short protein forms G901V, G918V, G928V.
Identifiers: ClinVar variation 3027485 (VCV003027485.1), dbSNP rs2507278451, ClinGen allele CA396630231.

ClinVar aggregate classification (germline): Uncertain significance (1 of 4 stars; one submission).

Conditions:
Primary ciliary dyskinesia 5. Also called: CILIARY DYSKINESIA, PRIMARY, 5, WITHOUT SITUS INVERSUS. Identifiers: Orphanet 244, MedGen C1837615, MONDO:0012088, OMIM 608647.

Submission:

Royal Brompton Clinical Genetics And Genomics Laboratory, NHS South East Genomic Laboratory Hub
Classification: Uncertain significance for Primary ciliary dyskinesia 5. Last evaluated: 2024-03-06. Review status: criteria provided, single submitter. Criteria: RBHT-CGGL ClinVar Assertion Criteria. Collection method: clinical testing. Allele origin: germline. Affected: yes. Observed: 1 variant allele.